The following is an entry in ClinVar:

NM_025074.7(FRAS1):c.706G>A (p.Glu236Lys)

Gene: FRAS1 (Fraser extracellular matrix complex subunit 1; plus strand). Cytogenetic location: 4q21.21.
Variant type: single nucleotide variant.
Coding change: c.706G>A on transcript NM_025074.7 (MANE Select); coding-DNA position 706, G replaced by A.
Protein change: p.Glu236Lys; replaces glutamic acid 236 with lysine.
Molecular consequence: missense variant.
Genome position (GRCh38, 1-based): chr4:78,266,852, G>A. VCF-style: chr4-78266852-G-A. GRCh37 (hg19) VCF-style: chr4-79188006-G-A.
Other names: c.706G>A, p.Glu236Lys (NM_001166133.2); short protein forms E236K.
Identifiers: ClinVar variation 349668 (VCV000349668.11), dbSNP rs373994193, ClinGen allele CA2976056.

ClinVar aggregate classification (germline): Uncertain significance. Review status: criteria provided, multiple submitters, no conflicts (2 of 4 stars). 5 submissions from 5 submitters: Uncertain significance (5). Last evaluated 2025-06-03.

Conditions:
Inborn genetic diseases. Identifiers: MedGen C0950123, MeSH D030342.
Fraser syndrome 1 (FRASRS1). Also called: CRYPTOPHTHALMOS WITH OTHER MALFORMATIONS. Identifiers: Orphanet 2052, MedGen C4551480, MONDO:0054737, OMIM 219000.

Allele frequency attached by ClinVar (database versions not stated): ESP Exome Variant Server 0.00008; gnomAD exomes 0.00011; ExAC 0.00025; TOPMed 0.00028; gnomAD 0.00031 and 0.00032; 1000 Genomes Project 0.00040; 1000 Genomes Project 30x 0.00047.
gnomAD v4.1: 177 of 1,603,590 alleles (0.011%); highest among the groups gnomAD compares: Middle Eastern, 0.12%; no homozygotes.

Submissions (5):

Ambry Genetics
Classification: Uncertain significance for Inborn genetic diseases. Last evaluated: 2025-06-03. Review status: criteria provided, single submitter. Criteria: Ambry Variant Classification Scheme 2023. Collection method: clinical testing. Allele origin: germline.

Labcorp Genetics (formerly Invitae), Labcorp
Classification: Uncertain significance. Last evaluated: 2022-07-30. Review status: criteria provided, single submitter. Criteria: Invitae Variant Classification Sherloc (09022015). Collection method: clinical testing. Allele origin: germline.
Comment: This sequence change replaces glutamic acid, which is acidic and polar, with lysine, which is basic and polar, at codon 236 of the FRAS1 protein (p.Glu236Lys). This variant is present in population databases (rs373994193, gnomAD 0.1%). This variant has not been reported in the literature in individuals affected with FRAS1-related conditions. ClinVar contains an entry for this variant (Variation ID: 349668). Algorithms developed to predict the effect of missense changes on protein structure and function (SIFT, PolyPhen-2, Align-GVGD) all suggest that this variant is likely to be tolerated. In summary, the available evidence is currently insufficient to determine the role of this variant in disease. Therefore, it has been classified as a Variant of Uncertain Significance.

Fulgent Genetics
Classification: Uncertain significance for Fraser syndrome 1. Last evaluated: 2022-05-10. Review status: criteria provided, single submitter. Criteria: ACMG Guidelines, 2015. Collection method: clinical testing. Allele origin: unknown.

Department of Pathology and Laboratory Medicine, Sinai Health System
Classification: Uncertain significance for Fraser syndrome 1. Last evaluated: 2022-03-30. Review status: criteria provided, single submitter. Criteria: ACMG Guidelines, 2015. Collection method: research. Allele origin: germline.

Illumina Laboratory Services, Illumina
Classification: Uncertain significance for Fraser syndrome 1. Last evaluated: 2018-01-13. Review status: criteria provided, single submitter. Criteria: ICSL Variant Classification Criteria 13 December 2019. Collection method: clinical testing. Allele origin: germline.